The following is an entry in ClinVar:

ClinVar aggregate classification (germline): Uncertain significance (1 of 4 stars; one submission).

Allele frequency attached by ClinVar (database versions not stated): 1000 Genomes Project 0.00020; ExAC 0.00021; gnomAD exomes 0.00040; ESP Exome Variant Server 0.00008; 1000 Genomes Project 30x 0.00016; gnomAD 0.00019; TOPMed 0.00018.
gnomAD v4.1: 600 of 1,614,186 alleles (0.037%); highest among the groups gnomAD compares: Non-Finnish European, 0.046%; 1 homozygote.

Submission:

Ambry Genetics
Classification: Uncertain significance. Last evaluated: 2026-07-01. Review status: criteria provided, single submitter. Criteria: Ambry Variant Classification Scheme 2023. Collection method: clinical testing. Allele origin: germline.
Comment: The p.R692H variant (also known as c.2075G>A), located in coding exon 20 of the NEK5 gene, results from a G to A substitution at nucleotide position 2075. The arginine at codon 692 is replaced by histidine, an amino acid with highly similar properties. This amino acid position is conserved. In addition, this alteration is predicted to be tolerated by in silico analysis. Based on the available evidence, the clinical significance of this variant remains unclear.

NM_001365552.1(NEK5):c.1975+25G>A

Gene: NEK5 (NIMA related kinase 5; minus strand). Cytogenetic location: 13q14.3.
Variant type: single nucleotide variant.
Coding change: c.1975+25G>A on transcript NM_001365552.1 (MANE Select); 25 bases into the intron after coding-DNA position 1975, G replaced by A.
Molecular consequence: intron variant. On other transcripts: missense variant (1).
Genome position (GRCh38, 1-based): chr13:52,065,459, C>T on the plus strand (G>A on the coding strand, the complement: NEK5 is on the minus strand). VCF-style: chr13-52065459-C-T. GRCh37 (hg19) VCF-style: chr13-52639595-C-T.
Other names: c.2075G>A, p.Arg692His (NM_199289.3); short protein forms R692H.
Identifiers: ClinVar variation 3192178 (VCV003192178.3), dbSNP rs200564973, ClinGen allele CA6990549.
Genomic context (GRCh38, chr13:52,065,459, plus strand): 5'-GTAGACTATCACATCAGGATGAGCACTGGGCTGTACGGGTCCTTGGTCTTCCCTTCCTGA[C>T]GACTGACGCTAAGCACAGACTCACTGTCAGGCCCCGTGGGGCAGGTGGAGGTGATGTCGG-3'